The following is an entry in ClinVar:

ClinVar aggregate classification (germline): Pathogenic (1 of 4 stars; one submission).

Submission:

Labcorp Genetics (formerly Invitae), Labcorp
Classification: Pathogenic. Last evaluated: 2021-02-20. Review status: criteria provided, single submitter. Criteria: Invitae Variant Classification Sherloc (09022015). Collection method: clinical testing. Allele origin: germline.
Comment: For these reasons, this variant has been classified as Pathogenic. This variant has not been reported in the literature in individuals with EYS-related conditions. This variant is a gross deletion of the genomic region encompassing exon(s) 23-27 of the EYS gene. This deletion is out-of-frame, and is expected to create a premature translational stop signal and result in an absent or disrupted protein product. Loss-of-function variants in EYS are known to be pathogenic (PMID: 18836446, 20333770).

Literature cited by the submitters: PubMed 18836446; PubMed 20333770.

NC_000006.11:g.(?_65149045)_(65336148_?)del

Gene: EYS (eyes shut homolog; minus strand). Cytogenetic location: 6q12.
Variant type: Deletion.
Identifiers: ClinVar variation 1070727 (VCV001070727.7).